The following is an entry in ClinVar:

ClinVar aggregate classification (germline): Conflicting classifications of pathogenicity. Review status: criteria provided, conflicting classifications (1 of 4 stars). 4 submissions from 4 submitters: Likely pathogenic (1); Uncertain significance (3). Last evaluated 2025-12-22.

Conditions:
Hereditary cancer-predisposing syndrome. Also called: Hereditary Cancer Syndrome; Hereditary neoplastic syndrome; Neoplastic Syndromes, Hereditary; Tumor predisposition. Identifiers: Orphanet 140162, MedGen C0027672, MeSH D009386, MONDO:0015356.
Tooth agenesis, selective, 1. Also called: HYPODONTIA/OLIGODONTIA 1; SECOND PREMOLARS AND THIRD MOLARS, ABSENCE OF. Identifiers: Orphanet 99798, MedGen C3489529, MONDO:0007129, OMIM 106600. Disease mechanism: loss of function.
Oligodontia-cancer predisposition syndrome. Also called: TOOTH AGENESIS-COLORECTAL CANCER SYNDROME. Identifiers: Orphanet 300576, MedGen C1837750, MONDO:0012075, OMIM 608615. Disease mechanism: loss of function.

Allele frequency attached by ClinVar (database versions not stated): ExAC 0.00001; gnomAD exomes 0.00001.
gnomAD v4.1: 8 of 1,613,786 alleles (0.0005%); highest among the groups gnomAD compares: Non-Finnish European, 0.00059%; no homozygotes.

Submissions (4):

Labcorp Genetics (formerly Invitae), Labcorp
Classification: Uncertain significance for Oligodontia-cancer predisposition syndrome. Last evaluated: 2025-12-22. Review status: criteria provided, single submitter. Criteria: Invitae Variant Classification Sherloc (09022015). Collection method: clinical testing. Allele origin: germline.
Comment: This sequence change replaces threonine, which is neutral and polar, with methionine, which is neutral and non-polar, at codon 693 of the AXIN2 protein (p.Thr693Met). This variant is present in population databases (rs755519590, gnomAD 0.002%). This missense change has been observed in individual(s) with oligodontia (PMID: 41361419). ClinVar contains an entry for this variant (Variation ID: 408793). Invitae Evidence Modeling of protein sequence and biophysical properties (such as structural, functional, and spatial information, amino acid conservation, physicochemical variation, residue mobility, and thermodynamic stability) indicates that this missense variant is expected to disrupt AXIN2 protein function with a positive predictive value of 80%. Experimental studies have shown that this missense change affects AXIN2 function (PMID: 41361419). In summary, the available evidence is currently insufficient to determine the role of this variant in disease. Therefore, it has been classified as a Variant of Uncertain Significance.

Department of Prosthodontics, Peking University School and Hospital of Stomatology
Classification: Likely pathogenic for Tooth agenesis, selective, 1. Last evaluated: 2025-05-13. Review status: criteria provided, single submitter. Criteria: ACMG Guidelines, 2015. Collection method: clinical testing. Allele origin: unknown. Inheritance: Autosomal dominant inheritance. Affected: yes. Observed: 1 heterozygote.
Comment: Her family history was unknown. In vitro functional assays demonstrated that this mutation leads to loss of AXIN2 protein function and aberrant hyperactivation of the Wnt/β-catenin signaling pathway. In summary, the c.2078C>T(p.Thr693Met) meets our criteria to be classified as likely pathogenic.

Quest Diagnostics Nichols Institute San Juan Capistrano
Classification: Uncertain significance. Last evaluated: 2025-03-07. Review status: criteria provided, single submitter. Criteria: Quest Diagnostics criteria. Collection method: clinical testing. Allele origin: unknown.
Comment: The AXIN2 c.2078C>T (p.Thr693Met) variant has not been reported in individuals with AXIN2-related conditions in the published literature. The frequency of this variant in the general population (Genome Aggregation Database) is uninformative in the assessment of its pathogenicity. Analysis of this variant using bioinformatics tools for the prediction of the effect of amino acid changes on protein structure and function yielded conflicting predictions that this variant is benign or damaging. Based on the available information, we are unable to determine the clinical significance of this variant.

Ambry Genetics
Classification: Uncertain significance for Hereditary cancer-predisposing syndrome. Last evaluated: 2024-05-18. Review status: criteria provided, single submitter. Criteria: Ambry Variant Classification Scheme 2023. Collection method: clinical testing. Allele origin: germline.
Comment: The p.T693M variant (also known as c.2078C>T), located in coding exon 7 of the AXIN2 gene, results from a C to T substitution at nucleotide position 2078. The threonine at codon 693 is replaced by methionine, an amino acid with similar properties. This amino acid position is highly conserved in available vertebrate species. In addition, the in silico prediction for this alteration is inconclusive. Since supporting evidence is limited at this time, the clinical significance of this alteration remains unclear.

Literature cited by the submitters: PubMed 41361419 (cited by Labcorp Genetics (formerly Invitae), Labcorp); PubMed 35885997 (cited by Quest Diagnostics Nichols Institute San Juan Capistrano).

NM_004655.4(AXIN2):c.2078C>T (p.Thr693Met)

Gene: AXIN2 (axin 2; minus strand). Cytogenetic location: 17q24.1.
Variant type: single nucleotide variant.
Coding change: c.2078C>T on transcript NM_004655.4 (MANE Select); coding-DNA position 2078, C replaced by T.
Protein change: p.Thr693Met; replaces threonine 693 with methionine.
Molecular consequence: missense variant.
Genome position (GRCh38, 1-based): chr17:65,536,383, G>A on the plus strand (C>T on the coding strand, the complement: AXIN2 is on the minus strand). VCF-style: chr17-65536383-G-A. GRCh37 (hg19) VCF-style: chr17-63532501-G-A.
Other names: c.2078C>T (LRG_296t1); c.1883C>T, p.Thr628Met (NM_001363813.1); short protein forms T693M, T628M.
Identifiers: ClinVar variation 408793 (VCV000408793.18), dbSNP rs755519590, ClinGen allele CA8718415.